The following is an entry in ClinVar:

ClinVar aggregate classification (germline): Uncertain significance (1 of 4 stars; one submission).

Submission:

Quest Diagnostics Nichols Institute San Juan Capistrano
Classification: Uncertain significance. Last evaluated: 2025-07-24. Review status: criteria provided, single submitter. Criteria: Quest Diagnostics criteria. Collection method: clinical testing. Allele origin: unknown.
Comment: The CFTR c.2012T>C (p.Leu671Ser) variant has not been reported in individuals with CFTR-related conditions in the published literature. This variant also has not been reported in large, multi-ethnic general populations (Genome Aggregation Database). Analysis of this variant using bioinformatics tools for the prediction of the effect of amino acid changes on protein structure and function yielded predictions that this variant is benign. Based on the available information, we are unable to determine the clinical significance of this variant.

NM_000492.4(CFTR):c.2012T>C (p.Leu671Ser)

Gene: CFTR (CF transmembrane conductance regulator; plus strand). Cytogenetic location: 7q31.2.
Variant type: single nucleotide variant.
Coding change: c.2012T>C on transcript NM_000492.4 (MANE Select); coding-DNA position 2012, T replaced by C.
Protein change: p.Leu671Ser; replaces leucine 671 with serine.
Molecular consequence: missense variant.
Genome position (GRCh38, 1-based): chr7:117,592,179, T>C. VCF-style: chr7-117592179-T-C. GRCh37 (hg19) VCF-style: chr7-117232233-T-C.
Other names: short protein forms L671S.
Identifiers: ClinVar variation 4532957 (VCV004532957.1).